The following is an entry in ClinVar:

NM_030958.3(SLCO5A1):c.418A>G (p.Ile140Val)

Gene: SLCO5A1 (solute carrier organic anion transporter family member 5A1; minus strand). Cytogenetic location: 8q13.3.
Variant type: single nucleotide variant.
Coding change: c.418A>G on transcript NM_030958.3 (MANE Select); coding-DNA position 418, A replaced by G.
Protein change: p.Ile140Val; replaces isoleucine 140 with valine.
Molecular consequence: missense variant.
Genome position (GRCh38, 1-based): chr8:69,832,256, T>C on the plus strand (A>G on the coding strand, the complement: SLCO5A1 is on the minus strand). VCF-style: chr8-69832256-T-C. GRCh37 (hg19) VCF-style: chr8-70744491-T-C.
Other names: c.418A>G, p.Ile140Val (NM_001146008.2, NM_001146009.1); short protein forms I140V.
Identifiers: ClinVar variation 3678605 (VCV003678605.2).

ClinVar aggregate classification (germline): Uncertain significance (1 of 4 stars; one submission).

Submission:

Labcorp Genetics (formerly Invitae), Labcorp
Classification: Uncertain significance. Last evaluated: 2024-12-23. Review status: criteria provided, single submitter. Criteria: Invitae Variant Classification Sherloc (09022015). Collection method: clinical testing. Allele origin: germline.
Comment: This sequence change replaces isoleucine, which is neutral and non-polar, with valine, which is neutral and non-polar, at codon 140 of the SLCO5A1 protein (p.Ile140Val). This variant is not present in population databases (gnomAD no frequency). This variant has not been reported in the literature in individuals affected with SLCO5A1-related conditions. An algorithm developed to predict the effect of missense changes on protein structure and function (PolyPhen-2) suggests that this variant is likely to be tolerated. In summary, the available evidence is currently insufficient to determine the role of this variant in disease. Therefore, it has been classified as a Variant of Uncertain Significance.